The following is an entry in ClinVar:

NM_001377540.1(SLMAP):c.434C>A (p.Pro145Gln)

Gene: SLMAP (sarcolemma associated protein; plus strand). Cytogenetic location: 3p14.3.
Variant type: single nucleotide variant.
Coding change: c.434C>A on transcript NM_001377540.1 (MANE Select); coding-DNA position 434, C replaced by A.
Protein change: p.Pro145Gln; replaces proline 145 with glutamine.
Molecular consequence: missense variant. On other transcripts: non-coding transcript variant (1).
Genome position (GRCh38, 1-based): chr3:57,847,211, C>A. VCF-style: chr3-57847211-C-A. GRCh37 (hg19) VCF-style: chr3-57832938-C-A.
Other names: c.434C>A, p.Pro145Gln (NM_001377541.1, NM_001377542.1, NM_001377545.1 and 17 more transcripts); short protein forms P145Q.
Identifiers: ClinVar variation 1739913 (VCV001739913.2), dbSNP rs1159969169, ClinGen allele CA353406359.

ClinVar aggregate classification (germline): Uncertain significance (1 of 4 stars; one submission).

Allele frequency attached by ClinVar (database versions not stated): gnomAD exomes below 0.00001.
gnomAD v4.1: 1 of 1,607,336 alleles (0.000062%); highest among the groups gnomAD compares: Non-Finnish European, 0.000085%; no homozygotes.

Submission:

Ambry Genetics
Classification: Uncertain significance. Last evaluated: 2022-07-14. Review status: criteria provided, single submitter. Criteria: Ambry Variant Classification Scheme 2023. Collection method: clinical testing. Allele origin: germline.
Comment: The p.P145Q variant (also known as c.434C>A), located in coding exon 4 of the SLMAP gene, results from a C to A substitution at nucleotide position 434. The proline at codon 145 is replaced by glutamine, an amino acid with similar properties. This amino acid position is conserved. In addition, this alteration is predicted to be tolerated by in silico analysis. Since supporting evidence is limited at this time, the clinical significance of this alteration remains unclear.